The following is an entry in ClinVar:

NM_001364905.1(LRBA):c.6662T>C (p.Ile2221Thr)

Gene: LRBA (LPS responsive beige-like anchor protein; minus strand). Cytogenetic location: 4q31.3.
Variant type: single nucleotide variant.
Coding change: c.6662T>C on transcript NM_001364905.1 (MANE Select); coding-DNA position 6662, T replaced by C.
Protein change: p.Ile2221Thr; replaces isoleucine 2221 with threonine.
Molecular consequence: missense variant.
Genome position (GRCh38, 1-based): chr4:150,471,629, A>G on the plus strand (T>C on the coding strand, the complement: LRBA is on the minus strand). VCF-style: chr4-150471629-A-G. GRCh37 (hg19) VCF-style: chr4-151392781-A-G.
Other names: c.6662T>C, p.Ile2221Thr (NM_001199282.3, NM_001367550.1); c.6695T>C, p.Ile2232Thr (NM_006726.5); short protein forms I2221T, I2232T.
Identifiers: ClinVar variation 567653 (VCV000567653.34), dbSNP rs116526975, ClinGen allele CA3101861.
Genomic context (GRCh38, chr4:150,471,629, plus strand): 5'-AATTGAAATTAATAATTTATTGTCTAAAATAAATCAATACATGGAATTAGGTTACCTGCT[A>G]TCGTGTTGAGAAACATCAAGTACTCAAAATTAGATATCTCTCTGTGTTGCCATCGCTGGG-3'
Protein context (NP_001351834.1, residues 2211-2231): NFEYLMFLNT[Ile2221Thr]AGRSYNDLNQ

ClinVar aggregate classification (germline): Conflicting classifications of pathogenicity. Review status: criteria provided, conflicting classifications (1 of 4 stars). 5 submissions from 5 submitters: Uncertain significance (3); Likely benign (1). 1 of the submissions does not count toward it. Last evaluated 2026-01-01.

Conditions:
LRBA-related disorder. Also called: LRBA-related condition.
Combined immunodeficiency due to LRBA deficiency. Also called: Common variable immunodeficiency 8, with autoimmunity. Identifiers: Orphanet 445018, MedGen C3553512, MONDO:0013863, OMIM 614700.

Allele frequency attached by ClinVar (database versions not stated): gnomAD exomes 0.00007 and 0.00017; ExAC 0.00022; ESP Exome Variant Server 0.00054; gnomAD 0.00081 and 0.00083; TOPMed 0.00104; 1000 Genomes Project 0.00140; 1000 Genomes Project 30x 0.00219.
gnomAD v4.1: 227 of 1,555,104 alleles (0.015%); highest among the groups gnomAD compares: African/African-American, 0.24%; no homozygotes.

Submissions (5):

Labcorp Genetics (formerly Invitae), Labcorp
Classification: Likely benign for Combined immunodeficiency due to LRBA deficiency. Last evaluated: 2026-01-01. Review status: criteria provided, single submitter. Criteria: Invitae Variant Classification Sherloc (09022015). Collection method: clinical testing. Allele origin: germline.

CeGaT Center for Human Genetics Tuebingen
Classification: Uncertain significance. Last evaluated: 2024-07-01. Review status: criteria provided, single submitter. Criteria: CeGaT Center For Human Genetics Tuebingen Variant Classification Criteria Version 2. Collection method: clinical testing. Allele origin: germline. Affected: yes. Observed: 1 variant allele.

Blueprint Genetics
Classification: Uncertain significance. Last evaluated: 2023-09-06. Review status: criteria provided, single submitter. Criteria: ACMG Guidelines, 2015. Collection method: clinical testing. Allele origin: germline.

Mayo Clinic Laboratories, Mayo Clinic
Classification: Uncertain significance. Last evaluated: 2020-03-23. Review status: criteria provided, single submitter. Criteria: ACMG Guidelines, 2015. Collection method: clinical testing. Allele origin: germline. Observed: 1 variant allele.

PreventionGenetics, part of Exact Sciences
Classification: Uncertain significance for LRBA-related condition. Last evaluated: 2024-05-07. Review status: no assertion criteria provided. Collection method: clinical testing. Allele origin: germline. Not counted in ClinVar's aggregate classification.
Comment: The LRBA c.6695T>C variant is predicted to result in the amino acid substitution p.Ile2232Thr. This variant, along with another variant in LRBA, was reported in an individual with common variable immunodeficiency (Maffucci et al. 2016. PubMed ID: 27379089). This variant was also reported in the heterozygous state in an individual with features of immunodeficiency (Supplemental Data E3, Similuk et al. 2022. PubMed ID: 35753512). This variant is reported in 0.23% of alleles in individuals of African descent in gnomAD. At this time, the clinical significance of this variant is uncertain due to the absence of conclusive functional and genetic evidence.